The following is an entry in ClinVar:

ClinVar aggregate classification (germline): Uncertain significance. Review status: criteria provided, multiple submitters, no conflicts (2 of 4 stars). 3 submissions from 3 submitters: Uncertain significance (3). Last evaluated 2025-11-28.

Conditions:
Inborn genetic diseases. Identifiers: MedGen C0950123, MeSH D030342.

Allele frequency attached by ClinVar (database versions not stated): gnomAD exomes below 0.00001; TOPMed 0.00001.
gnomAD v4.1: 6 of 1,614,236 alleles (0.00037%); highest among the groups gnomAD compares: Non-Finnish European, 0.00051%; no homozygotes.

Submissions (3):

Labcorp Genetics (formerly Invitae), Labcorp
Classification: Uncertain significance. Last evaluated: 2025-11-28. Review status: criteria provided, single submitter. Criteria: Invitae Variant Classification Sherloc (09022015). Collection method: clinical testing. Allele origin: germline.
Comment: This sequence change replaces arginine, which is basic and polar, with histidine, which is basic and polar, at codon 2183 of the ARID1A protein (p.Arg2183His). This variant is not present in population databases (gnomAD no frequency). This variant has not been reported in the literature in individuals affected with ARID1A-related conditions. ClinVar contains an entry for this variant (Variation ID: 2444600). Invitae Evidence Modeling of protein sequence and biophysical properties (such as structural, functional, and spatial information, amino acid conservation, physicochemical variation, residue mobility, and thermodynamic stability) indicates that this missense variant is expected to disrupt ARID1A protein function with a positive predictive value of 80%. In summary, the available evidence is currently insufficient to determine the role of this variant in disease. Therefore, it has been classified as a Variant of Uncertain Significance.

GeneDx
Classification: Uncertain significance. Last evaluated: 2025-06-04. Review status: criteria provided, single submitter. Criteria: GeneDx Variant Classification Process June 2021. Collection method: clinical testing. Allele origin: germline.
Comment: Not observed at significant frequency in large population cohorts (gnomAD); In silico analysis supports that this missense variant has a deleterious effect on protein structure/function; Missense variant in a gene in which most reported pathogenic variants are truncating/loss of function; Has not been previously published as pathogenic or benign to our knowledge

Ambry Genetics
Classification: Uncertain significance for Inborn genetic diseases. Last evaluated: 2023-04-11. Review status: criteria provided, single submitter. Criteria: Ambry Variant Classification Scheme 2023. Collection method: clinical testing. Allele origin: germline.

NM_006015.6(ARID1A):c.6548G>A (p.Arg2183His)

Gene: ARID1A (AT-rich interaction domain 1A; plus strand). Cytogenetic location: 1p36.11.
Variant type: single nucleotide variant.
Coding change: c.6548G>A on transcript NM_006015.6 (MANE Select); coding-DNA position 6548, G replaced by A.
Protein change: p.Arg2183His; replaces arginine 2183 with histidine.
Molecular consequence: missense variant.
Genome position (GRCh38, 1-based): chr1:26,780,446, G>A. VCF-style: chr1-26780446-G-A. GRCh37 (hg19) VCF-style: chr1-27106937-G-A.
Other names: c.5897G>A, p.Arg1966His (NM_139135.4); short protein forms R1966H, R2183H.
Identifiers: ClinVar variation 2444600 (VCV002444600.5), dbSNP rs1470694207, ClinGen allele CA339192955.
Genomic context (GRCh38, chr1:26,780,446, plus strand): 5'-GCCGGGAGATGGCTGTGGTACTGCTGGCCAACCTGGCTCAGGGGGACAGCCTGGCAGCTC[G>A]TGCCATTGCAGTGCAGAAGGGCAGTATCGGCAACCTCCTGGGCTTCCTAGAGGACAGCCT-3'
Protein context (NP_006006.3, residues 2173-2193): NLAQGDSLAA[Arg2183His]AIAVQKGSIG